The following is an entry in ClinVar:

ClinVar aggregate classification (germline): Uncertain significance (1 of 4 stars; one submission).

Submission:

Labcorp Genetics (formerly Invitae), Labcorp
Classification: Uncertain significance. Last evaluated: 2024-08-29. Review status: criteria provided, single submitter. Criteria: Invitae Variant Classification Sherloc (09022015). Collection method: clinical testing. Allele origin: germline.
Comment: This sequence change replaces leucine, which is neutral and non-polar, with proline, which is neutral and non-polar, at codon 192 of the MKL1 protein (p.Leu192Pro). This variant is not present in population databases (gnomAD no frequency). This variant has not been reported in the literature in individuals affected with MKL1-related conditions. An algorithm developed to predict the effect of missense changes on protein structure and function (PolyPhen-2) suggests that this variant is likely to be disruptive. In summary, the available evidence is currently insufficient to determine the role of this variant in disease. Therefore, it has been classified as a Variant of Uncertain Significance.

NM_020831.6(MRTFA):c.875T>C (p.Leu292Pro)

Gene: MRTFA (myocardin related transcription factor A; minus strand). Cytogenetic location: 22q13.1.
Variant type: single nucleotide variant.
Coding change: c.875T>C on transcript NM_020831.6 (MANE Select); coding-DNA position 875, T replaced by C.
Protein change: p.Leu292Pro; replaces leucine 292 with proline.
Molecular consequence: missense variant. On other transcripts: intron variant (1).
Genome position (GRCh38, 1-based): chr22:40,423,588, A>G on the plus strand (T>C on the coding strand, the complement: MRTFA is on the minus strand). VCF-style: chr22-40423588-A-G. GRCh37 (hg19) VCF-style: chr22-40819592-A-G.
Other names: c.575T>C, p.Leu192Pro (NM_001282660.2); c.875T>C, p.Leu292Pro (NM_001282662.3); c.680T>C, p.Leu227Pro (NM_001318139.2); c.777+618T>C (NM_001282661.3); short protein forms L292P, L227P, L192P.
Identifiers: ClinVar variation 3663901 (VCV003663901.2).